The following is an entry in ClinVar:

NM_001040108.2(MLH3):c.2608T>A (p.Ser870Thr)

Gene: MLH3 (mutL homolog 3; minus strand). Cytogenetic location: 14q24.3.
Variant type: single nucleotide variant.
Coding change: c.2608T>A on transcript NM_001040108.2 (MANE Select); coding-DNA position 2608, T replaced by A.
Protein change: p.Ser870Thr; replaces serine 870 with threonine.
Molecular consequence: missense variant.
Genome position (GRCh38, 1-based): chr14:75,047,048, A>T on the plus strand (T>A on the coding strand, the complement: MLH3 is on the minus strand). VCF-style: chr14-75047048-A-T. GRCh37 (hg19) VCF-style: chr14-75513751-A-T.
Other names: c.2608T>A, p.Ser870Thr (NM_014381.3); short protein forms S870T.
Identifiers: ClinVar variation 1793757 (VCV001793757.3), dbSNP rs2503265750, ClinGen allele CA390439498.

ClinVar aggregate classification (germline): Uncertain significance (1 of 4 stars; one submission).

Allele frequency attached by ClinVar (database versions not stated): gnomAD exomes below 0.00001.
gnomAD v4.1: 2 of 1,614,178 alleles (0.00012%); highest among the groups gnomAD compares: Middle Eastern, 0.016%; no homozygotes.

Submission:

Ambry Genetics
Classification: Uncertain significance. Last evaluated: 2025-05-20. Review status: criteria provided, single submitter. Criteria: Ambry Variant Classification Scheme 2023. Collection method: clinical testing. Allele origin: germline.
Comment: The p.S870T variant (also known as c.2608T>A), located in coding exon 1 of the MLH3 gene, results from a T to A substitution at nucleotide position 2608. The serine at codon 870 is replaced by threonine, an amino acid with similar properties. This amino acid position is conserved. In addition, this alteration is predicted to be tolerated by in silico analysis. Since supporting evidence is limited at this time, the clinical significance of this alteration remains unclear.